The following is an entry in ClinVar:

NM_001143764.3(SYCE1):c.449_452del (p.Lys150fs)

Gene: SYCE1 (synaptonemal complex central element protein 1; minus strand). Cytogenetic location: 10q26.3.
Variant type: Microsatellite.
Coding change: c.449_452del on transcript NM_001143764.3 (MANE Select); coding-DNA positions 449 to 452, 4 bases deleted (AACA; older notation c.449_452delAACA).
Protein change: p.Lys150fs; shifts the reading frame from lysine 150.
Molecular consequence: frameshift variant.
Genome position (GRCh38, 1-based): chr10:133,557,079-133,557,082, TGTT deleted on the plus strand (AACA on the coding strand, the reverse complement: SYCE1 is on the minus strand); deleting any 4 consecutive bases within chr10:133,557,079-133,557,086 gives the same sequence; the c. name uses the placement nearest the transcript's 3' end. VCF-style (leftmost placement, unchanged base first): chr10-133557078-CTGTT-C. GRCh37 (hg19) VCF-style: chr10-135370582-CTGTT-C.
Other names: c.341_344del, p.Lys114fs (NM_130784.4); c.449_452del, p.Lys150fs (NM_001143763.2); short protein forms K114fs, K150fs.
Identifiers: ClinVar variation 1071187 (VCV001071187.7), dbSNP rs779142116, ClinGen allele CA5768200.

ClinVar aggregate classification (germline): Pathogenic (1 of 4 stars; one submission).

Submission:

Labcorp Genetics (formerly Invitae), Labcorp
Classification: Pathogenic. Last evaluated: 2017-06-29. Review status: criteria provided, single submitter. Criteria: Invitae Variant Classification Sherloc (09022015). Collection method: clinical testing. Allele origin: germline.
Comment: For these reasons, this variant has been classified as Pathogenic. Loss-of-function variants in SYCE1 are known to be pathogenic (PMID: 25062452, 25899990). This variant has not been reported in the literature in individuals with SYCE1-related disease. This variant is present in population databases (rs779142116, ExAC 0.003%). This sequence change creates a premature translational stop signal (p.Lys114Argfs*4) in the SYCE1 gene. It is expected to result in an absent or disrupted protein product.

Literature cited by the submitters: PubMed 25062452; PubMed 25899990.